The following is an entry in ClinVar:

ClinVar aggregate classification (germline): Uncertain significance (1 of 4 stars; one submission).

Conditions:
Hereditary cancer-predisposing syndrome. Also called: Tumor predisposition; Hereditary Cancer Syndrome; Neoplastic Syndromes, Hereditary; Hereditary neoplastic syndrome. Identifiers: Orphanet 140162, MedGen C0027672, MeSH D009386, MONDO:0015356.

Submission:

Ambry Genetics
Classification: Uncertain significance for Hereditary cancer-predisposing syndrome. Last evaluated: 2019-05-23. Review status: criteria provided, single submitter. Criteria: Ambry Variant Classification Scheme 2023. Collection method: clinical testing. Allele origin: germline.
Comment: The p.T946A variant (also known as c.2836A>G), located in coding exon 15 of the APC gene, results from an A to G substitution at nucleotide position 2836. The threonine at codon 946 is replaced by alanine, an amino acid with similar properties. This amino acid position is not well conserved in available vertebrate species. In addition, in silico predictors for this gene do not accurately predict pathogenicity. Since supporting evidence is limited at this time, the clinical significance of this alteration remains unclear.

NM_000038.6(APC):c.2836A>G (p.Thr946Ala)

Gene: APC (APC regulator of Wnt signaling pathway; plus strand). Cytogenetic location: 5q22.2.
Variant type: single nucleotide variant.
Coding change: c.2836A>G on transcript NM_000038.6 (MANE Select); coding-DNA position 2836, A replaced by G.
Protein change: p.Thr946Ala; replaces threonine 946 with alanine.
Molecular consequence: missense variant.
Genome position (GRCh38, 1-based): chr5:112,838,430, A>G. VCF-style: chr5-112838430-A-G. GRCh37 (hg19) VCF-style: chr5-112174127-A-G.
Other names: c.2449A>G, p.Thr817Ala (NM_001407467.1, NM_001407469.1); c.1987A>G, p.Thr663Ala (NM_001407470.1, NM_001354906.2); c.1684A>G, p.Thr562Ala (NM_001407471.1, NM_001407472.1); c.2836A>G, p.Thr946Ala (NM_001127510.3, NM_001354895.2, NM_001407450.1); c.2782A>G, p.Thr928Ala (NM_001127511.3); c.2890A>G, p.Thr964Ala (NM_001354896.2, NM_001407447.1, NM_001407448.1 and 1 more transcripts); c.2866A>G, p.Thr956Ala (NM_001354897.2); c.2761A>G, p.Thr921Ala (NM_001354898.2); and 11 more; short protein forms T820A, T887A, T905A, T936A, T939A, T964A, T663A, T855A.
Identifiers: ClinVar variation 1796642 (VCV001796642.2), dbSNP rs2149878496, ClinGen allele CA16027516.